The following is an entry in ClinVar:

ClinVar aggregate classification (germline): Uncertain significance (1 of 4 stars; one submission).

Conditions:
Mucolipidosis type IV (ML4). Also called: ML IV. Identifiers: Orphanet 578, MedGen C0238286, MONDO:0009653, OMIM 252650.

gnomAD v4.1: 82 of 1,614,034 alleles (0.0051%); highest among the groups gnomAD compares: Non-Finnish European, 0.0063%; no homozygotes.

Submission:

Labcorp Genetics (formerly Invitae), Labcorp
Classification: Uncertain significance for Mucolipidosis type IV. Last evaluated: 2024-07-23. Review status: criteria provided, single submitter. Criteria: Invitae Variant Classification Sherloc (09022015). Collection method: clinical testing. Allele origin: germline.
Comment: This sequence change replaces valine, which is neutral and non-polar, with methionine, which is neutral and non-polar, at codon 175 of the MCOLN1 protein (p.Val175Met). This variant is present in population databases (rs372323549, gnomAD 0.007%). This variant has not been reported in the literature in individuals affected with MCOLN1-related conditions. Advanced modeling of protein sequence and biophysical properties (such as structural, functional, and spatial information, amino acid conservation, physicochemical variation, residue mobility, and thermodynamic stability) performed at Invitae indicates that this missense variant is not expected to disrupt MCOLN1 protein function with a negative predictive value of 80%. In summary, the available evidence is currently insufficient to determine the role of this variant in disease. Therefore, it has been classified as a Variant of Uncertain Significance.

NM_020533.3(MCOLN1):c.523G>A (p.Val175Met)

Gene: MCOLN1 (mucolipin TRP cation channel 1; plus strand). Cytogenetic location: 19p13.2.
Variant type: single nucleotide variant.
Coding change: c.523G>A on transcript NM_020533.3 (MANE Select); coding-DNA position 523, G replaced by A.
Protein change: p.Val175Met; replaces valine 175 with methionine.
Molecular consequence: missense variant.
Genome position (GRCh38, 1-based): chr19:7,526,878, G>A. VCF-style: chr19-7526878-G-A. GRCh37 (hg19) VCF-style: chr19-7591764-G-A.
Other names: short protein forms V175M.
Identifiers: ClinVar variation 3672799 (VCV003672799.1).